The following is an entry in ClinVar:

ClinVar aggregate classification (germline): Uncertain significance. Review status: criteria provided, multiple submitters, no conflicts (2 of 4 stars). 3 submissions from 3 submitters: Uncertain significance (3). Last evaluated 2023-10-28.

Conditions:
Hypertrophic cardiomyopathy 14. Identifiers: MedGen C2750467, MONDO:0013197, OMIM 613251.
Cardiovascular phenotype. Identifiers: MedGen CN230736.

Allele frequency attached by ClinVar (database versions not stated): TOPMed below 0.00001; ExAC 0.00001; gnomAD 0.00001; gnomAD exomes 0.00001.
gnomAD v4.1: 4 of 1,613,938 alleles (0.00025%); highest among the groups gnomAD compares: African/African-American, 0.0013%; no homozygotes.

Submissions (3):

Ambry Genetics
Classification: Uncertain significance for Cardiovascular phenotype. Last evaluated: 2023-10-28. Review status: criteria provided, single submitter. Criteria: Ambry Variant Classification Scheme 2023. Collection method: clinical testing. Allele origin: germline.
Comment: The p.S1512L variant (also known as c.4535C>T), located in coding exon 30 of the MYH6 gene, results from a C to T substitution at nucleotide position 4535. The serine at codon 1512 is replaced by leucine, an amino acid with dissimilar properties. This amino acid position is conserved. In addition, the in silico prediction for this alteration is inconclusive. Since supporting evidence is limited at this time, the clinical significance of this alteration remains unclear.

Labcorp Genetics (formerly Invitae), Labcorp
Classification: Uncertain significance for Hypertrophic cardiomyopathy 14. Last evaluated: 2020-06-04. Review status: criteria provided, single submitter. Criteria: Invitae Variant Classification Sherloc (09022015). Collection method: clinical testing. Allele origin: germline.
Comment: This sequence change replaces serine with leucine at codon 1512 of the MYH6 protein (p.Ser1512Leu). The serine residue is weakly conserved and there is a large physicochemical difference between serine and leucine. This variant is present in population databases (rs763022972, ExAC 0.01%). This variant has not been reported in the literature in individuals with MYH6-related conditions. Algorithms developed to predict the effect of missense changes on protein structure and function (SIFT, PolyPhen-2, Align-GVGD) all suggest that this variant is likely to be tolerated, but these predictions have not been confirmed by published functional studies and their clinical significance is uncertain. In summary, the available evidence is currently insufficient to determine the role of this variant in disease. Therefore, it has been classified as a Variant of Uncertain Significance.

GeneDx
Classification: Uncertain significance. Last evaluated: 2019-06-14. Review status: criteria provided, single submitter. Criteria: GeneDx Variant Classification Process June 2021. Collection method: clinical testing. Allele origin: germline. Affected: yes.
Comment: Has not been previously published as pathogenic or benign to our knowledge; Not observed at a significant frequency in large population cohorts (Lek et al., 2016); In silico analysis, which includes protein predictors and evolutionary conservation, supports a deleterious effect

NM_002471.4(MYH6):c.4535C>T (p.Ser1512Leu)

Gene: MYH6 (myosin heavy chain 6; minus strand). Cytogenetic location: 14q11.2.
Variant type: single nucleotide variant.
Coding change: c.4535C>T on transcript NM_002471.4 (MANE Select); coding-DNA position 4535, C replaced by T.
Protein change: p.Ser1512Leu; replaces serine 1512 with leucine.
Molecular consequence: missense variant.
Genome position (GRCh38, 1-based): chr14:23,387,644, G>A on the plus strand (C>T on the coding strand, the complement: MYH6 is on the minus strand). VCF-style: chr14-23387644-G-A. GRCh37 (hg19) VCF-style: chr14-23856853-G-A.
Other names: short protein forms S1512L.
Identifiers: ClinVar variation 1015808 (VCV001015808.12), dbSNP rs763022972, ClinGen allele CA7114718.
Genomic context (GRCh38, chr14:23,387,644, plus strand): 5'-CGGACCTTCTCCAGCTCATGCACATTCTTTCCTCCTTCTCCTAGCTGCTCAGTAAGGTCC[G>A]AGATTTCCTCTGGGGACCAGAGGGCCAGAAAGCTCAAAGCCTATGTTCCCCCTGCCCCTG-3'
Protein context (NP_002462.2, residues 1502-1522): RENKNLQEEI[Ser1512Leu]DLTEQLGEGG